The following is an entry in ClinVar:

ClinVar aggregate classification (germline): Uncertain significance (1 of 4 stars; one submission).

Conditions:
Combined immunodeficiency due to LRBA deficiency. Also called: Common variable immunodeficiency 8, with autoimmunity. Identifiers: Orphanet 445018, MedGen C3553512, MONDO:0013863, OMIM 614700.

gnomAD v4.1: 1 of 1,610,738 alleles (0.000062%); highest among the groups gnomAD compares: Admixed American, 0.0017%; no homozygotes.

Submission:

Labcorp Genetics (formerly Invitae), Labcorp
Classification: Uncertain significance for Combined immunodeficiency due to LRBA deficiency. Last evaluated: 2024-08-26. Review status: criteria provided, single submitter. Criteria: Invitae Variant Classification Sherloc (09022015). Collection method: clinical testing. Allele origin: germline.
Comment: This sequence change replaces glycine, which is neutral and non-polar, with alanine, which is neutral and non-polar, at codon 15 of the LRBA protein (p.Gly15Ala). This variant is present in population databases (no rsID available, gnomAD 0.003%). This variant has not been reported in the literature in individuals affected with LRBA-related conditions. An algorithm developed to predict the effect of missense changes on protein structure and function (PolyPhen-2) suggests that this variant is likely to be disruptive. In summary, the available evidence is currently insufficient to determine the role of this variant in disease. Therefore, it has been classified as a Variant of Uncertain Significance.

NM_001364905.1(LRBA):c.44G>C (p.Gly15Ala)

Gene: LRBA (LPS responsive beige-like anchor protein; minus strand). Cytogenetic location: 4q31.3.
Variant type: single nucleotide variant.
Coding change: c.44G>C on transcript NM_001364905.1 (MANE Select); coding-DNA position 44, G replaced by C.
Protein change: p.Gly15Ala; replaces glycine 15 with alanine.
Molecular consequence: missense variant.
Genome position (GRCh38, 1-based): chr4:151,014,599, C>G on the plus strand (G>C on the coding strand, the complement: LRBA is on the minus strand). VCF-style: chr4-151014599-C-G. GRCh37 (hg19) VCF-style: chr4-151935751-C-G.
Other names: c.44G>C, p.Gly15Ala (NM_001199282.3, NM_001367550.1, NM_006726.5); short protein forms G15A.
Identifiers: ClinVar variation 3614014 (VCV003614014.2).